The following is an entry in ClinVar:

NM_001256054.3(C9orf72):c.-164T>C

Gene: C9orf72 (C9orf72-SMCR8 complex subunit; minus strand). Cytogenetic location: 9p21.2.
Variant type: single nucleotide variant.
Coding change: c.-164T>C on transcript NM_001256054.3; 164 bases upstream of the start codon, T replaced by C.
Molecular consequence: 5 prime UTR variant.
Genome position (GRCh38, 1-based): chr9:27,573,828, A>G on the plus strand (T>C on the coding strand, the complement: C9orf72 is on the minus strand). VCF-style: chr9-27573828-A-G. GRCh37 (hg19) VCF-style: chr9-27573826-A-G.
Other names: c.-86T>C (NM_145005.7).
Identifiers: ClinVar variation 366533 (VCV000366533.7), dbSNP rs41272893, ClinGen allele CA10633776.

ClinVar aggregate classification (germline): Benign (1 of 4 stars; one submission).

Conditions:
Frontotemporal dementia and/or amyotrophic lateral sclerosis 1 (FTDALS1). Also called: C9orf72 Frontotemporal Dementia and/or Amyotrophic Lateral Sclerosis; Frontotemporal dementia with motor neuron disease 1. Identifiers: Orphanet 275872, MedGen C5779877, MONDO:0007105, OMIM 105550.

Allele frequency attached by ClinVar (database versions not stated): gnomAD 0.02049; TOPMed 0.02304; 1000 Genomes Project 30x 0.02873; 1000 Genomes Project 0.02796.

Submission:

Illumina Laboratory Services, Illumina
Classification: Benign for Frontotemporal dementia and/or amyotrophic lateral sclerosis 1. Last evaluated: 2018-01-12. Review status: criteria provided, single submitter. Criteria: ICSL Variant Classification Criteria 13 December 2019. Collection method: clinical testing. Allele origin: germline.
Comment: This variant was observed in the ICSL laboratory as part of a predisposition screen in an ostensibly healthy population. It had not been previously curated by ICSL or reported in the Human Gene Mutation Database (HGMD: prior to June 1st, 2018), and was therefore a candidate for classification through an automated scoring system. Utilizing variant allele frequency, disease prevalence and penetrance estimates, and inheritance mode, an automated score was calculated to assess if this variant is too frequent to cause the disease. Based on the score and internal cut-off values, a variant classified as benign is not then subjected to further curation. The score for this variant resulted in a classification of benign for this disease.